The following is an entry in ClinVar:

NM_198578.4(LRRK2):c.6076A>G (p.Arg2026Gly)

Gene: LRRK2 (leucine rich repeat kinase 2; plus strand). Cytogenetic location: 12q12.
Variant type: single nucleotide variant.
Coding change: c.6076A>G on transcript NM_198578.4 (MANE Select); coding-DNA position 6076, A replaced by G.
Protein change: p.Arg2026Gly; replaces arginine 2026 with glycine.
Molecular consequence: missense variant.
Genome position (GRCh38, 1-based): chr12:40,340,421, A>G. VCF-style: chr12-40340421-A-G. GRCh37 (hg19) VCF-style: chr12-40734223-A-G.
Other names: short protein forms R2026G.
Identifiers: ClinVar variation 1751413 (VCV001751413.2), dbSNP rs2499948322, ClinGen allele CA384404062.

ClinVar aggregate classification (germline): Uncertain significance (1 of 4 stars; one submission).

Conditions:
Inborn genetic diseases. Identifiers: MedGen C0950123, MeSH D030342.

Submission:

Ambry Genetics
Classification: Uncertain significance for Inborn genetic diseases. Last evaluated: 2022-02-26. Review status: criteria provided, single submitter. Criteria: Ambry Variant Classification Scheme 2023. Collection method: clinical testing. Allele origin: germline.
Comment: The p.R2026G variant (also known as c.6076A>G), located in coding exon 41 of the LRRK2 gene, results from an A to G substitution at nucleotide position 6076. The arginine at codon 2026 is replaced by glycine, an amino acid with dissimilar properties. This amino acid position is conserved. In addition, this alteration is predicted to be tolerated by in silico analysis. Since supporting evidence is limited at this time, the clinical significance of this alteration remains unclear.